The following is an entry in ClinVar:

ClinVar aggregate classification (germline): Benign. Review status: criteria provided, multiple submitters, no conflicts (2 of 4 stars). 8 submissions from 8 submitters: Benign (6). 2 of the submissions do not count toward it. Last evaluated 2026-02-04.

Conditions:
Autosomal recessive congenital ichthyosis 3 (ARCI3). Also called: ICHTHYOSIS, LAMELLAR, 5. Identifiers: MedGen C3539888, MONDO:0011680, OMIM 606545.

Allele frequency attached by ClinVar (database versions not stated): ESP Exome Variant Server 0.36845; gnomAD 0.39812 and 0.39411; 1000 Genomes Project 0.42472; ExAC 0.44639; gnomAD exomes 0.45968; TOPMed 0.40365; 1000 Genomes Project 30x 0.42130.
gnomAD v4.1: 587,258 of 1,385,774 alleles (42%); highest among the groups gnomAD compares: East Asian, 63%; 128,509 homozygotes.

Submissions (8):

Labcorp Genetics (formerly Invitae), Labcorp
Classification: Benign. Last evaluated: 2026-02-04. Review status: criteria provided, single submitter. Criteria: Invitae Variant Classification Sherloc (09022015). Collection method: clinical testing. Allele origin: germline.

Genome-Nilou Lab
Classification: Benign for Autosomal recessive congenital ichthyosis 3. Last evaluated: 2021-07-14. Review status: criteria provided, single submitter. Criteria: ACMG Guidelines, 2015. Collection method: clinical testing. Allele origin: germline. Affected: no.

Illumina Laboratory Services, Illumina
Classification: Benign for Autosomal recessive congenital ichthyosis 3. Last evaluated: 2018-01-12. Review status: criteria provided, single submitter. Criteria: ICSL Variant Classification Criteria 13 December 2019. Collection method: clinical testing. Allele origin: germline.
Comment: This variant was observed in the ICSL laboratory as part of a predisposition screen in an ostensibly healthy population. It had not been previously curated by ICSL or reported in the Human Gene Mutation Database (HGMD: prior to June 1st, 2018), and was therefore a candidate for classification through an automated scoring system. Utilizing variant allele frequency, disease prevalence and penetrance estimates, and inheritance mode, an automated score was calculated to assess if this variant is too frequent to cause the disease. Based on the score and internal cut-off values, a variant classified as benign is not then subjected to further curation. The score for this variant resulted in a classification of benign for this disease.

GeneDx
Classification: Benign. Last evaluated: 2015-03-03. Review status: criteria provided, single submitter. Criteria: GeneDx Variant Classification Process June 2021. Collection method: clinical testing. Allele origin: germline. Affected: yes.

Breakthrough Genomics
Classification: Benign. Review status: criteria provided, single submitter. Criteria: ACMG Guidelines, 2015. Collection method: not provided. Allele origin: germline. Inheritance: Autosomal recessive inheritance. Affected: yes.

PreventionGenetics, part of Exact Sciences
Classification: Benign. Review status: criteria provided, single submitter. Criteria: ACMG Guidelines, 2015. Collection method: clinical testing. Allele origin: germline.

Diagnostic Laboratory, Department of Genetics, University Medical Center Groningen
Classification: Benign. Review status: no assertion criteria provided. Collection method: clinical testing. Allele origin: germline. Affected: yes. Study: VKGL Data-share Consensus. Not counted in ClinVar's aggregate classification.

Joint Genome Diagnostic Labs from Nijmegen and Maastricht, Radboudumc and MUMC+
Classification: Benign. Review status: no assertion criteria provided. Collection method: clinical testing. Allele origin: germline. Affected: yes. Study: VKGL Data-share Consensus. Not counted in ClinVar's aggregate classification.

NM_021628.3(ALOXE3):c.2124C>T (p.Ser708=)

Gene: ALOXE3 (arachidonate epidermal lipoxygenase 3; minus strand). Cytogenetic location: 17p13.1.
Variant type: single nucleotide variant.
Coding change: c.2124C>T on transcript NM_021628.3 (MANE Select); coding-DNA position 2124, C replaced by T.
Protein change: p.Ser708=; no amino-acid change (serine 708 retained).
Molecular consequence: synonymous variant.
Genome position (GRCh38, 1-based): chr17:8,096,639, G>A on the plus strand (C>T on the coding strand, the complement: ALOXE3 is on the minus strand). VCF-style: chr17-8096639-G-A. GRCh37 (hg19) VCF-style: chr17-7999957-G-A.
Other names: c.2520C>T, p.Ser840= (NM_001165960.1); c.2121C>T, p.Ser707= (NM_001369446.1).
Identifiers: ClinVar variation 261424 (VCV000261424.23), dbSNP rs3809881, ClinGen allele CA8367854.